The following is an entry in ClinVar:

NM_024422.6(DSC2):c.1A>G (p.Met1Val)

Genes: DSC2 (desmocollin 2; minus strand), DSCAS (DSC1/DSC2 antisense RNA; plus strand). Cytogenetic location: 18q12.1.
Variant type: single nucleotide variant.
Coding change: c.1A>G on transcript NM_024422.6 (MANE Select); coding-DNA position 1, A replaced by G.
Protein change: p.Met1Val; changes the start codon (methionine 1).
Molecular consequence: missense variant, initiator codon variant.
Genome position (GRCh38, 1-based): chr18:31,101,971, T>C on the plus strand (A>G on the coding strand, the complement: DSC2 is on the minus strand). VCF-style: chr18-31101971-T-C. GRCh37 (hg19) VCF-style: chr18-28681934-T-C.
Other names: c.1A>G, p.Met1Val (NM_004949.5); short protein forms M1V.
Identifiers: ClinVar variation 925908 (VCV000925908.15), dbSNP rs1026402319, ClinGen allele CA402115338.

ClinVar aggregate classification (germline): Uncertain significance. Review status: criteria provided, multiple submitters, no conflicts (2 of 4 stars). 3 submissions from 3 submitters: Uncertain significance (3). Last evaluated 2025-10-06.

Conditions:
Cardiomyopathy (CMYO). Also called: Cardiomyopathies. Identifiers: Orphanet 167848, MedGen C0878544, MONDO:0004994, HP:0001638. Inheritance: Various modes of inheritance.
Familial isolated arrhythmogenic right ventricular dysplasia. Identifiers: Orphanet 217656, MedGen C4274968, MONDO:0016342.
Arrhythmogenic right ventricular dysplasia 11. Also called: ARRHYTHMOGENIC RIGHT VENTRICULAR DYSPLASIA, FAMILIAL, 11; Arrhythmogenic Right Ventricular Dysplasia/Cardiomyopathy11; Arrhythmogenic right ventricular dysplasia 11 with mild palmoplantar keratoderma and woolly hair. Identifiers: MedGen C1864850, MONDO:0012506, OMIM 610476.

Allele frequency attached by ClinVar (database versions not stated): gnomAD exomes below 0.00001.

Submissions (3):

Color Diagnostics, LLC DBA Color Health
Classification: Uncertain significance for Cardiomyopathy. Last evaluated: 2025-10-06. Review status: criteria provided, single submitter. Criteria: ACMG Guidelines, 2015. Collection method: clinical testing. Allele origin: germline.
Comment: This variant alters the translation initiation codon of the DSC2 mRNA. An alternate in-frame methionine downstream of the initiator methionine occurs at codon 144 in extracellular cadherin domain 1, after signal peptide and propeptide. This variant is expected to disrupt translation initiation and result in an absent or truncated protein product. To our knowledge, functional studies have not been reported for this variant. This variant has been reported in an individual affected with cardiac disease and sudden cardiac death (PMID: 31376648). This variant has not been identified in the general population by the Genome Aggregation Database (gnomAD). The role of truncations and other loss-of-function variants in the DSC2 gene in autosomal dominant cardiovascular disorders is not clearly understood. The available evidence is insufficient to determine the role of this variant in disease conclusively. Therefore, this variant is classified as a Variant of Uncertain Significance.

All of Us Research Program, National Institutes of Health
Classification: Uncertain significance for Familial isolated arrhythmogenic right ventricular dysplasia. Last evaluated: 2024-01-11. Review status: criteria provided, single submitter. Criteria: ACMG Guidelines, 2015. Collection method: clinical testing. Allele origin: germline. Inheritance: Autosomal dominant inheritance. Observed: 2 variant alleles, 2 heterozygotes.
Comment: This variant alters the translation initiation codon of the DSC2 mRNA. An alternate in-frame methionine downstream of the initiator methionine occurs at codon 144 in extracellular cadherin domain 1, after signal peptide and propeptide. This variant is expected to disrupt translation initiation and result in an absent or truncated protein product. To our knowledge, functional studies have not been reported for this variant. This variant has been reported in an individual affected with cardiac disease and sudden cardiac death (PMID: 31376648). This variant has not been identified in the general population by the Genome Aggregation Database (gnomAD). Truncations and other loss-of-function variants in the DSC2 gene have been reported in individuals with arrhythmogenic right ventricular cardiomyopathy. However, clinical significance of these variants is not yet fully understood. The available evidence is insufficient to determine the role of this variant in disease conclusively. Therefore, this variant is classified as a Variant of Uncertain Significance.

This study involves interpretation of variants in research participants for the purpose of population health screening. Participant phenotype was not available at the time of variant classification. Additional details can be found in publication PMID: 35346344, PMCID: PMC8962531

Labcorp Genetics (formerly Invitae), Labcorp
Classification: Uncertain significance for Arrhythmogenic right ventricular dysplasia 11. Last evaluated: 2020-09-20. Review status: criteria provided, single submitter. Criteria: Invitae Variant Classification Sherloc (09022015). Collection method: clinical testing. Allele origin: germline.
Comment: This variant has not been reported in the literature in individuals with DSC2-related conditions. ClinVar contains an entry for this variant (Variation ID: 925908). Experimental studies and prediction algorithms are not available or were not evaluated, and the functional significance of this variant is currently unknown. In summary, the available evidence is currently insufficient to determine the role of this variant in disease. Therefore, it has been classified as a Variant of Uncertain Significance. This sequence change affects the initiator methionine of the DSC2 mRNA. The next in-frame methionine is located at codon 144. The frequency data for this variant in the population databases is considered unreliable, as metrics indicate insufficient coverage at this position in the ExAC database.

Literature cited by the submitters: PubMed 31376648 (cited by Color Diagnostics, LLC DBA Color Health and All of Us Research Program, National Institutes of Health).